The following is an entry in ClinVar:

ClinVar aggregate classification (germline): Likely pathogenic. Review status: criteria provided, single submitter (1 of 4 stars). 2 submissions from 2 submitters: Likely pathogenic (1). 1 of the submissions does not count toward it. Last evaluated 2025-07-14.

Conditions:
Long QT syndrome (LQTS). Identifiers: MedGen C0023976, MeSH D008133, MONDO:0002442. Disease mechanism: loss of function. Inheritance: Various modes of inheritance.
Prolonged QT interval. Identifiers: MedGen C0151878, HP:0001657.

Submissions (2):

Labcorp Genetics (formerly Invitae), Labcorp
Classification: Likely pathogenic for Long QT syndrome. Last evaluated: 2025-07-14. Review status: criteria provided, single submitter. Criteria: Invitae Variant Classification Sherloc (09022015). Collection method: clinical testing. Allele origin: germline.
Comment: This sequence change affects a donor splice site in intron 5 of the KCNH2 gene. It is expected to disrupt RNA splicing. Variants that disrupt the donor or acceptor splice site typically lead to a loss of protein function (PMID: 16199547), and loss-of-function variants in KCNH2 are known to be pathogenic (PMID: 10973849, 19862833). This variant is not present in population databases (gnomAD no frequency). Disruption of this splice site has been observed in individual(s) with clinical features of KCNH2-related conditions (PMID: 36861347). ClinVar contains an entry for this variant (Variation ID: 1334904). Algorithms developed to predict the effect of sequence changes on RNA splicing suggest that this variant may disrupt the consensus splice site. In summary, the currently available evidence indicates that the variant is pathogenic, but additional data are needed to prove that conclusively. Therefore, this variant has been classified as Likely Pathogenic.

Institute of Human Genetics, University of Wuerzburg
Classification: Likely pathogenic for Prolonged QT interval. Review status: no assertion criteria provided. Collection method: clinical testing. Allele origin: unknown. Affected: yes. Observed: 1 variant allele. Not counted in ClinVar's aggregate classification.

Literature cited by the submitters: PubMed 16199547 (cited by Labcorp Genetics (formerly Invitae), Labcorp); PubMed 10973849 (cited by Labcorp Genetics (formerly Invitae), Labcorp); PubMed 19862833 (cited by Labcorp Genetics (formerly Invitae), Labcorp); PubMed 36861347 (cited by Labcorp Genetics (formerly Invitae), Labcorp).

NM_000238.4(KCNH2):c.1128+1G>A

Gene: KCNH2 (potassium voltage-gated channel subfamily H member 2; minus strand). Cytogenetic location: 7q36.1.
Variant type: single nucleotide variant.
Coding change: c.1128+1G>A on transcript NM_000238.4 (MANE Select); the canonical splice donor site of the intron after coding-DNA position 1128, G replaced by A.
Molecular consequence: splice donor variant.
Genome position (GRCh38, 1-based): chr7:150,957,290, C>T on the plus strand (G>A on the coding strand, the complement: KCNH2 is on the minus strand). VCF-style: chr7-150957290-C-T. GRCh37 (hg19) VCF-style: chr7-150654378-C-T.
Other names: c.840+1G>A (NM_001406753.1, NM_001406756.1); c.1128+1G>A (NM_172056.3); c.951+1G>A (NM_001406755.1); c.828+1G>A (NM_001406757.1).
Identifiers: ClinVar variation 1334904 (VCV001334904.8), dbSNP rs1405113457, ClinGen allele CA369861404.
Genomic context (GRCh38, chr7:150,957,290, plus strand): 5'-CTCCCACCCCCTCTCCAAGCTCCTCCAAGGTGAGAGGAGAGCCCGGCCGCTGGGCGCCTA[C>T]CTGGGTGACCTTCTCAGTGACATTGTGGGTTCGCTCCTTTATCTTAGGTGCTATGATCTC-3'